The following is an entry in ClinVar:

ClinVar aggregate classification (germline): Uncertain significance. Review status: criteria provided, multiple submitters, no conflicts (2 of 4 stars). 2 submissions from 2 submitters: Uncertain significance (2). Last evaluated 2026-05-26.

Conditions:
SEMA3F-related disorder. Also called: SEMA3F-related condition.

Allele frequency attached by ClinVar (database versions not stated): gnomAD exomes 0.00002; ExAC 0.00005; gnomAD 0.00007; ESP Exome Variant Server 0.00008; TOPMed 0.00009; 1000 Genomes Project 30x 0.00016; 1000 Genomes Project 0.00020.
gnomAD v4.1: 45 of 1,613,766 alleles (0.0028%); highest among the groups gnomAD compares: African/African-American, 0.019%; no homozygotes.

Submissions (2):

PreventionGenetics, part of Exact Sciences
Classification: Uncertain significance for SEMA3F-related condition. Last evaluated: 2026-05-26. Review status: criteria provided, single submitter. Criteria: ACMG Guidelines, 2015. Collection method: clinical testing. Allele origin: germline.
Comment: The SEMA3F c.355G>A variant is predicted to result in the amino acid substitution p.Val119Ile. To our knowledge, this variant has not been reported in the literature. This variant is reported in 0.016% of alleles in individuals of African descent in gnomAD. At this time, the clinical significance of this variant is uncertain due to the absence of conclusive functional and genetic evidence.

Ambry Genetics
Classification: Uncertain significance. Last evaluated: 2023-02-15. Review status: criteria provided, single submitter. Criteria: Ambry Variant Classification Scheme 2023. Collection method: clinical testing. Allele origin: germline.

NM_004186.5(SEMA3F):c.355G>A (p.Val119Ile)

Gene: SEMA3F (semaphorin 3F; plus strand). Cytogenetic location: 3p21.31.
Variant type: single nucleotide variant.
Coding change: c.355G>A on transcript NM_004186.5 (MANE Select); coding-DNA position 355, G replaced by A.
Protein change: p.Val119Ile; replaces valine 119 with isoleucine.
Molecular consequence: missense variant.
Genome position (GRCh38, 1-based): chr3:50,174,249, G>A. VCF-style: chr3-50174249-G-A. GRCh37 (hg19) VCF-style: chr3-50211682-G-A.
Other names: c.355G>A (NM_004186.4); c.151G>A, p.Val51Ile (NM_001318798.2); c.355G>A, p.Val119Ile (NM_001318800.2); short protein forms V119I, V51I.
Identifiers: ClinVar variation 2454858 (VCV002454858.4), dbSNP rs149131307, ClinGen allele CA2411738.